The following is an entry in ClinVar:

NM_053025.4(MYLK):c.1462A>C (p.Thr488Pro)

Gene: MYLK (myosin light chain kinase; minus strand). Cytogenetic location: 3q21.1.
Variant type: single nucleotide variant.
Coding change: c.1462A>C on transcript NM_053025.4 (MANE Select); coding-DNA position 1462, A replaced by C.
Protein change: p.Thr488Pro; replaces threonine 488 with proline.
Molecular consequence: missense variant. On other transcripts: intron variant (2).
Genome position (GRCh38, 1-based): chr3:123,732,950, T>G on the plus strand (A>C on the coding strand, the complement: MYLK is on the minus strand). VCF-style: chr3-123732950-T-G. GRCh37 (hg19) VCF-style: chr3-123451797-T-G.
Other names: c.934A>C, p.Thr312Pro (NM_001321309.2); c.1462A>C, p.Thr488Pro (NM_053027.4); c.1309+737A>C (NM_053028.4, NM_053026.4); short protein forms T312P, T488P.
Identifiers: ClinVar variation 2567239 (VCV002567239.3), dbSNP rs2062536088, ClinGen allele CA354237775.
Genomic context (GRCh38, chr3:123,732,950, plus strand): 5'-ACTCACTTTCCACTTGGAGGGTCCAGCTACAGGACAGCTGGCCTTGGGCGTTGGAAGCAG[T>G]GCAGCTGTATGTCCCACTGTCCCTGGTCCGGGCTTTCAGCAGGCAGAGGTAATGGGAGCC-3'
Protein context (NP_444253.3, residues 478-498): RTRDSGTYSC[Thr488Pro]ASNAQGQLSC

ClinVar aggregate classification (germline): Uncertain significance. Review status: criteria provided, multiple submitters, no conflicts (2 of 4 stars). 2 submissions from 2 submitters: Uncertain significance (2). Last evaluated 2024-09-04.

Conditions:
Familial thoracic aortic aneurysm and aortic dissection (TAAD). Also called: Thoracic aortic aneurysms and dissections. Identifiers: Orphanet 91387, MedGen C4707243, MONDO:0019625.

Submissions (2):

GeneDx
Classification: Uncertain significance. Last evaluated: 2024-09-04. Review status: criteria provided, single submitter. Criteria: GeneDx Variant Classification Process June 2021. Collection method: clinical testing. Allele origin: germline. Affected: yes.
Comment: Not observed at significant frequency in large population cohorts (gnomAD); In silico analysis indicates that this missense variant does not alter protein structure/function; Has not been previously published as pathogenic or benign to our knowledge

Ambry Genetics
Classification: Uncertain significance for Familial thoracic aortic aneurysm and aortic dissection. Last evaluated: 2023-03-24. Review status: criteria provided, single submitter. Criteria: Ambry Variant Classification Scheme 2023. Collection method: clinical testing. Allele origin: germline.
Comment: The p.T488P variant (also known as c.1462A>C), located in coding exon 8 of the MYLK gene, results from an A to C substitution at nucleotide position 1462. The threonine at codon 488 is replaced by proline, an amino acid with highly similar properties. This amino acid position is conserved. In addition, the in silico prediction for this alteration is inconclusive. Since supporting evidence is limited at this time, the clinical significance of this alteration remains unclear.